The following is an entry in ClinVar:

NM_020458.4(TTC7A):c.1039dup (p.Leu347fs)

Gene: TTC7A (tetratricopeptide repeat domain 7A; plus strand). Cytogenetic location: 2p21.
Variant type: Duplication.
Coding change: c.1039dup on transcript NM_020458.4 (MANE Select); coding-DNA position 1039, one base duplicated (C; older notation c.1039dupC).
Protein change: p.Leu347fs; shifts the reading frame from leucine 347.
Molecular consequence: frameshift variant. On other transcripts: 5 prime UTR variant (1).
Genome position (GRCh38, 1-based): chr2:46,995,173, C duplicated; the last of 2 consecutive C bases (chr2:46,995,172-46,995,173); duplicating either gives the same sequence. VCF-style (leftmost placement, unchanged base first): chr2-46995171-T-TC. GRCh37 (hg19) VCF-style: chr2-47222310-T-TC.
Other names: c.1039dup, p.Leu347fs (NM_001288951.2); c.937dup, p.Leu313fs (NM_001288953.2); c.-24dup (NM_001288955.2); short protein forms L313fs, L347fs.
Identifiers: ClinVar variation 659629 (VCV000659629.9), dbSNP rs1572849873, ClinGen allele CA915941071.

ClinVar aggregate classification (germline): Pathogenic (1 of 4 stars; one submission).

Conditions:
Multiple gastrointestinal atresias. Also called: Multiple intestinal atresia; FAMILIAL INTESTINAL POLYATRESIA SYNDROME. Identifiers: Orphanet 2300, MedGen C0220744, MONDO:0009465.

Submission:

Labcorp Genetics (formerly Invitae), Labcorp
Classification: Pathogenic for Multiple gastrointestinal atresias. Last evaluated: 2018-12-15. Review status: criteria provided, single submitter. Criteria: Invitae Variant Classification Sherloc (09022015). Collection method: clinical testing. Allele origin: germline.
Comment: This variant is not present in population databases (ExAC no frequency). This sequence change creates a premature translational stop signal (p.Leu347Profs*38) in the TTC7A gene. It is expected to result in an absent or disrupted protein product. Loss-of-function variants in TTC7A are known to be pathogenic (PMID: 23830146, 24292712). For these reasons, this variant has been classified as Pathogenic.

Literature cited by the submitters: PubMed 23830146; PubMed 24292712.